The following is an entry in ClinVar:

ClinVar aggregate classification (germline): Uncertain significance (1 of 4 stars; one submission).

Conditions:
Nemaline myopathy 2 (NEM2). Also called: Nemaline myopathy 2, autosomal recessive. Identifiers: MedGen C1850569, MONDO:0009725, OMIM 256030.

Submission:

Victorian Clinical Genetics Services, Murdoch Childrens Research Institute
Classification: Uncertain significance for Nemaline myopathy 2. Last evaluated: 2025-11-26. Review status: criteria provided, single submitter. Criteria: ACMG Guidelines, 2015. Collection method: clinical testing. Allele origin: germline. Affected: yes.
Comment: This variant is classified as VUS-3A. Evidence in support of pathogenic classification: Non-canonical splice site variant without proven consequence on splicing (no functional evidence available); Variant is absent from gnomAD (v2, v3 and v4); Abnormal splicing is predicted by in silico tool and affected nucleotide is highly conserved. Additional information: This variant is heterozygous; This gene is associated with autosomal recessive disease; This variant has no previous evidence of pathogenicity; No published evidence of segregation with disease has been identified for this variant; No published functional evidence has been identified for this variant; No comparable splice site variants have previous evidence for pathogenicity; Loss of function is a known mechanism of disease in this gene and is associated with arthrogryposis multiplex congenita 6 (MIM#619334) and nemaline myopathy 2 (MIM#256030); Inheritance information for this variant is not currently available in this individual.

NM_001164508.2(NEB):c.25150+5G>A

Genes: NEB (nebulin; minus strand), RIF1 (replication timing regulatory factor 1; plus strand). Cytogenetic location: 2q23.3.
Variant type: single nucleotide variant.
Coding change: c.25150+5G>A on transcript NM_001164508.2 (MANE Select); 5 bases into the intron after coding-DNA position 25150, G replaced by A.
Molecular consequence: intron variant.
Genome position (GRCh38, 1-based): chr2:151,491,678, C>T on the plus strand (G>A on the coding strand, the complement: NEB is on the minus strand). VCF-style: chr2-151491678-C-T. GRCh37 (hg19) VCF-style: chr2-152348192-C-T.
Other names: c.19582+5G>A (NM_004543.5); c.25150+5G>A (NM_001164507.2); c.25255+5G>A (NM_001271208.2).
Identifiers: ClinVar variation 4818972 (VCV004818972.1).
Genomic context (GRCh38, chr2:151,491,678, plus strand): 5'-AAGTCATTGACTCTAGCATACTAAATGGTGATGTTTATGTTGTAAGCCTTTTTCAGCTAA[C>T]ACACCATTAATCATGTGTAAGCTTCGGGACTGGATGTTGTCTTCTGCTGGATCATAGTCA-3'